The following is an entry in ClinVar:

ClinVar aggregate classification (germline): Uncertain significance (1 of 4 stars; one submission).

Conditions:
DST-related disorder. Also called: DST-related condition; DST-related disorders.

Submission:

PreventionGenetics, part of Exact Sciences
Classification: Uncertain significance for DST-related condition. Last evaluated: 2026-07-21. Review status: criteria provided, single submitter. Criteria: ACMG Guidelines, 2015. Collection method: clinical testing. Allele origin: germline.
Comment: The DST c.6377A>G variant is predicted to result in the amino acid substitution p.Gln2126Arg. To our knowledge, this variant has not been reported in the literature or in a large population database (gnomAD), indicating this variant is rare. At this time, the clinical significance of this variant is uncertain due to the absence of conclusive functional and genetic evidence.

NM_001723.7(DST):c.6377A>G (p.Gln2126Arg)

Gene: DST (dystonin; minus strand). Cytogenetic location: 6p12.1.
Variant type: single nucleotide variant.
Coding change: c.6377A>G on transcript NM_001723.7 (MANE Plus Clinical); coding-DNA position 6377, A replaced by G.
Protein change: p.Gln2126Arg; replaces glutamine 2126 with arginine.
Molecular consequence: missense variant. On other transcripts: intron variant (10).
Genome position (GRCh38, 1-based): chr6:56,617,090, T>C on the plus strand (A>G on the coding strand, the complement: DST is on the minus strand). VCF-style: chr6-56617090-T-C. GRCh37 (hg19) VCF-style: chr6-56481888-T-C.
Other names: c.4831-2606A>G (NM_001144769.5); c.4930-2606A>G (NM_001374722.1, NM_001374736.1); c.4957-2606A>G (NM_001374734.1); c.4417-2606A>G (NM_001144770.2); c.4297-2606A>G (NM_001374730.1, NM_001386100.1, NM_183380.4 and 1 more transcripts); c.3319-2606A>G (NM_015548.5); short protein forms Q2126R.
Identifiers: ClinVar variation 4996507 (VCV004996507.1).
Genomic context (GRCh38, chr6:56,617,090, plus strand): 5'-GATTCTAGGTAAAGCCCTGCAATTGAGGTGGCTTTCGTCAGAAACTTGTTAAGAGTTTTC[T>C]GAACTTCTTCAACAGTCTTAAGACCGAGTCGCAGCTGCTCAATTGTTCTCATGTCCAGAA-3'
Protein context (NP_001714.1, residues 2116-2136): RLGLKTVEEV[Gln2126Arg]KTLNKFLTKA